The following is an entry in ClinVar:

NM_020754.4(ARHGAP31):c.2287G>C (p.Ala763Pro)

Gene: ARHGAP31 (Rho GTPase activating protein 31; plus strand). Cytogenetic location: 3q13.33.
Variant type: single nucleotide variant.
Coding change: c.2287G>C on transcript NM_020754.4 (MANE Select); coding-DNA position 2287, G replaced by C.
Protein change: p.Ala763Pro; replaces alanine 763 with proline.
Molecular consequence: missense variant.
Genome position (GRCh38, 1-based): chr3:119,414,216, G>C. VCF-style: chr3-119414216-G-C. GRCh37 (hg19) VCF-style: chr3-119133063-G-C.
Other names: short protein forms A763P.
Identifiers: ClinVar variation 1503852 (VCV001503852.6), dbSNP rs776360120, ClinGen allele CA81697499.
Genomic context (GRCh38, chr3:119,414,216, plus strand): 5'-CAGGGCCTGCACCCAGACCTCGCCAGCCTGGCTCCTCTGGAAATAGTTCCTTTTGAGAAG[G>C]CATCTCCACAAGCAACAGTGGAAGTAGGAGGCCCAGGCAATCTGTCTCCTCCACTCCCAC-3'
Protein context (NP_065805.2, residues 753-773): APLEIVPFEK[Ala763Pro]SPQATVEVGG

ClinVar aggregate classification (germline): Uncertain significance (1 of 4 stars; one submission).

Allele frequency attached by ClinVar (database versions not stated): gnomAD exomes below 0.00001; gnomAD 0.00001; TOPMed 0.00002.
gnomAD v4.1: 13 of 1,614,058 alleles (0.00081%); highest among the groups gnomAD compares: African/African-American, 0.004%; no homozygotes.

Submission:

Labcorp Genetics (formerly Invitae), Labcorp
Classification: Uncertain significance. Last evaluated: 2021-11-23. Review status: criteria provided, single submitter. Criteria: Invitae Variant Classification Sherloc (09022015). Collection method: clinical testing. Allele origin: germline.
Comment: Algorithms developed to predict the effect of missense changes on protein structure and function (SIFT, PolyPhen-2, Align-GVGD) all suggest that this variant is likely to be tolerated. This variant has not been reported in the literature in individuals affected with ARHGAP31-related conditions. This variant is not present in population databases (gnomAD no frequency). This sequence change replaces alanine, which is neutral and non-polar, with proline, which is neutral and non-polar, at codon 763 of the ARHGAP31 protein (p.Ala763Pro). In summary, the available evidence is currently insufficient to determine the role of this variant in disease. Therefore, it has been classified as a Variant of Uncertain Significance.